The following is an entry in ClinVar:

NM_001807.6(CEL):c.1351G>C (p.Val451Leu)

Gene: CEL (carboxyl ester lipase; plus strand). Cytogenetic location: 9q34.13.
Variant type: single nucleotide variant.
Coding change: c.1351G>C on transcript NM_001807.6 (MANE Select); coding-DNA position 1351, G replaced by C.
Protein change: p.Val451Leu; replaces valine 451 with leucine.
Molecular consequence: missense variant.
Genome position (GRCh38, 1-based): chr9:133,070,525, G>C. VCF-style: chr9-133070525-G-C. GRCh37 (hg19) VCF-style: chr9-135945912-G-C.
Other names: short protein forms V451L.
Identifiers: ClinVar variation 3141891 (VCV003141891.2), dbSNP rs369763536, ClinGen allele CA200924358.

ClinVar aggregate classification (germline): Uncertain significance. Review status: criteria provided, multiple submitters, no conflicts (2 of 4 stars). 2 submissions from 2 submitters: Uncertain significance (2). Last evaluated 2024-03-12.

Conditions:
Inborn genetic diseases. Identifiers: MedGen C0950123, MeSH D030342.

Allele frequency attached by ClinVar (database versions not stated): gnomAD exomes below 0.00001; gnomAD 0.00002; ESP Exome Variant Server 0.00008.
gnomAD v4.1: 10 of 1,613,862 alleles (0.00062%); highest among the groups gnomAD compares: Non-Finnish European, 0.00085%; no homozygotes.

Submissions (2):

Ambry Genetics
Classification: Uncertain significance for Inborn genetic diseases. Last evaluated: 2024-03-12. Review status: criteria provided, single submitter. Criteria: Ambry Variant Classification Scheme 2023. Collection method: clinical testing. Allele origin: germline.

GeneDx
Classification: Uncertain significance. Last evaluated: 2024-03-04. Review status: criteria provided, single submitter. Criteria: GeneDx Variant Classification Process June 2021. Collection method: clinical testing. Allele origin: germline. Affected: yes.
Comment: Not observed at significant frequency in large population cohorts (gnomAD); In silico analysis supports that this missense variant does not alter protein structure/function; Has not been previously published as pathogenic or benign to our knowledge